The following is an entry in ClinVar:

NM_001849.4(COL6A2):c.801+2T>G

Gene: COL6A2 (collagen type VI alpha 2 chain; plus strand). Cytogenetic location: 21q22.3.
Variant type: single nucleotide variant.
Coding change: c.801+2T>G on transcript NM_001849.4 (MANE Select); the canonical splice donor site of the intron after coding-DNA position 801, T replaced by G.
Molecular consequence: splice donor variant.
Genome position (GRCh38, 1-based): chr21:46,114,075, T>G. VCF-style: chr21-46114075-T-G. GRCh37 (hg19) VCF-style: chr21-47533989-T-G.
Other names: c.801+2T>G (NM_058175.3, NM_058174.3).
Identifiers: ClinVar variation 2019165 (VCV002019165.4), dbSNP rs2516992989, ClinGen allele CA410523612.
Genomic context (GRCh38, chr21:46,114,075, plus strand): 5'-AGGTGAGCTGCCTGGAAATCCCTGGGCCCTCTGGCCCCAAGGGCTACCGTGGACAGAAGG[T>G]AAGATGCCCAGATTACCTGCAGGGTCTGCGCTACCAGGAAGCCCCTGATTTGTTTTGAAA-3'

ClinVar aggregate classification (germline): Pathogenic (1 of 4 stars; one submission).

Conditions:
Bethlem myopathy 1A. Also called: MYOPATHY, BENIGN CONGENITAL, WITH CONTRACTURES; Bethlem myopathy 1; Bethlem Muscular Dystrophy. Identifiers: Orphanet 610, MedGen CN029274, MONDO:0024530, OMIM 158810.

Submission:

Labcorp Genetics (formerly Invitae), Labcorp
Classification: Pathogenic for Bethlem myopathy 1A. Last evaluated: 2022-07-23. Review status: criteria provided, single submitter. Criteria: Invitae Variant Classification Sherloc (09022015). Collection method: clinical testing. Allele origin: germline.
Comment: For these reasons, this variant has been classified as Pathogenic. Algorithms developed to predict the effect of sequence changes on RNA splicing suggest that this variant may disrupt the consensus splice site. Disruption of this splice site has been observed in individual(s) with autosomal dominant Type VI skeletal muscle collagenopathy (PMID: 18160674, 29406609, 34167565). This variant is not present in population databases (gnomAD no frequency). This sequence change affects a donor splice site in intron 5 of the COL6A2 gene. It is expected to disrupt RNA splicing. Variants that disrupt the donor or acceptor splice site typically lead to a loss of protein function (PMID: 16199547), and loss-of-function variants in COL6A2 are known to be disease-causing for autosomal recessive COL6A2 conditions (PMID: 21280092, 20976770). However, certain variants affecting donor or acceptor splice sites in the triple helical domain of COL6A2 are expected to result in in-frame exon skipping and have been reported to cause autosomal dominant COL6A2-related conditions (PMID: 18366090).

Literature cited by the submitters: PubMed 18160674; PubMed 29406609; PubMed 34167565; PubMed 16199547; PubMed 21280092; PubMed 20976770; PubMed 18366090.